The following is an entry in ClinVar:

NM_000081.4(LYST):c.6572C>T (p.Pro2191Leu)

Gene: LYST (lysosomal trafficking regulator; minus strand). Cytogenetic location: 1q42.3.
Variant type: single nucleotide variant.
Coding change: c.6572C>T on transcript NM_000081.4 (MANE Select); coding-DNA position 6572, C replaced by T.
Protein change: p.Pro2191Leu; replaces proline 2191 with leucine.
Molecular consequence: missense variant.
Genome position (GRCh38, 1-based): chr1:235,759,281, G>A on the plus strand (C>T on the coding strand, the complement: LYST is on the minus strand). VCF-style: chr1-235759281-G-A. GRCh37 (hg19) VCF-style: chr1-235922581-G-A.
Other names: c.6572C>T, p.Pro2191Leu (NM_001301365.1); short protein forms P2191L.
Identifiers: ClinVar variation 1009914 (VCV001009914.15), dbSNP rs1406853002, ClinGen allele CA344940783.

ClinVar aggregate classification (germline): Uncertain significance. Review status: criteria provided, multiple submitters, no conflicts (2 of 4 stars). 2 submissions from 2 submitters: Uncertain significance (2). Last evaluated 2024-12-01.

Conditions:
Chédiak-Higashi syndrome (CHS). Also called: Chediak-Higashi Syndrome. Identifiers: Orphanet 167, MedGen C0007965, MONDO:0008963, OMIM 214500.

Allele frequency attached by ClinVar (database versions not stated): gnomAD exomes 0.00001; TOPMed 0.00001.
gnomAD v4.1: 14 of 1,614,080 alleles (0.00087%); highest among the groups gnomAD compares: Non-Finnish European, 0.0012%; no homozygotes.

Submissions (2):

CeGaT Center for Human Genetics Tuebingen
Classification: Uncertain significance. Last evaluated: 2024-12-01. Review status: criteria provided, single submitter. Criteria: CeGaT Center For Human Genetics Tuebingen Variant Classification Criteria Version 2. Collection method: clinical testing. Allele origin: germline. Affected: yes. Observed: 1 variant allele.
Comment: LYST: PM2, BP4

Labcorp Genetics (formerly Invitae), Labcorp
Classification: Uncertain significance for Chédiak-Higashi syndrome. Last evaluated: 2021-08-27. Review status: criteria provided, single submitter. Criteria: Invitae Variant Classification Sherloc (09022015). Collection method: clinical testing. Allele origin: germline.
Comment: This sequence change replaces proline with leucine at codon 2191 of the LYST protein (p.Pro2191Leu). The proline residue is weakly conserved and there is a moderate physicochemical difference between proline and leucine. This variant is not present in population databases (ExAC no frequency). This variant has not been reported in the literature in individuals affected with LYST-related conditions. Algorithms developed to predict the effect of missense changes on protein structure and function (SIFT, PolyPhen-2, Align-GVGD) all suggest that this variant is likely to be tolerated. In summary, the available evidence is currently insufficient to determine the role of this variant in disease. Therefore, it has been classified as a Variant of Uncertain Significance.